The following is an entry in ClinVar:

ClinVar aggregate classification (germline): Pathogenic. Review status: reviewed by expert panel (3 of 4 stars). 5 submissions from 5 submitters: Pathogenic (1). 4 of the submissions do not count toward it. Last evaluated 2016-10-18.

Conditions:
Malignant tumor of breast. Also called: Malignant breast neoplasm; Cancer breast. Identifiers: MedGen C0006142, MONDO:0007254. Disease mechanism: loss of function.
Hereditary breast ovarian cancer syndrome. Also called: Hereditary breast and ovarian cancer; Hereditary breast and ovarian cancer syndrome (HBOC); Hereditary breast and/or ovarian cancer syndrome; Breast and ovarian cancer; Hereditary breast and ovarian cancer syndrome; BRCA1- and BRCA2-Associated Hereditary Breast and Ovarian Cancer. Identifiers: Orphanet 145, MedGen C0677776, MeSH D061325, MONDO:0003582. Disease mechanism: loss of function.
Breast-ovarian cancer, familial, susceptibility to, 2 (BROVCA2). Also called: BRCA2 Hereditary Breast and Ovarian Cancer. Identifiers: Orphanet 145, MedGen C2675520, MONDO:0012933, OMIM 612555. Disease mechanism: loss of function.

Submissions (5):

Evidence-based Network for the Interpretation of Germline Mutant Alleles (ENIGMA)
Classification: Pathogenic for Breast-ovarian cancer, familial, susceptibility to, 2. Last evaluated: 2016-10-18. Review status: reviewed by expert panel. Criteria: ENIGMA BRCA1/2 Classification Criteria (2015). Collection method: curation. Allele origin: germline.
Comment: Variant allele predicted to encode a truncated non-functional protein.

Labcorp Genetics (formerly Invitae), Labcorp
Classification: Pathogenic for Hereditary breast ovarian cancer syndrome. Last evaluated: 2020-06-27. Review status: criteria provided, single submitter. Criteria: Invitae Variant Classification Sherloc (09022015). Collection method: clinical testing. Allele origin: germline. Not counted in ClinVar's aggregate classification.
Comment: This variant is not present in population databases (ExAC no frequency). For these reasons, this variant has been classified as Pathogenic. Loss-of-function variants in BRCA2 are known to be pathogenic (PMID: 20104584). This variant has been observed in individual(s) with a personal and/or family history of breast and/or ovarian cancer (PMID: 29446198). ClinVar contains an entry for this variant (Variation ID: 266632). This sequence change creates a premature translational stop signal (p.Leu459*) in the BRCA2 gene. It is expected to result in an absent or disrupted protein product.

Consortium of Investigators of Modifiers of BRCA1/2 (CIMBA), c/o University of Cambridge
Classification: Pathogenic for Breast-ovarian cancer, familial, susceptibility to, 2. Last evaluated: 2015-10-02. Review status: criteria provided, single submitter. Criteria: CIMBA Mutation Classification guidelines May 2016. Collection method: clinical testing. Allele origin: germline. Not counted in ClinVar's aggregate classification.

Research Molecular Genetics Laboratory, Women's College Hospital, University of Toronto
Classification: Pathogenic for Hereditary breast ovarian cancer syndrome. Last evaluated: 2014-01-31. Review status: no assertion criteria provided. Collection method: research. Allele origin: germline. Affected: yes. Study: The Canadian Open Genetics Repository (COGR). Not counted in ClinVar's aggregate classification.

Department of Pathology and Laboratory Medicine, Sinai Health System
Classification: Pathogenic for Malignant tumor of breast. Review status: no assertion criteria provided. Collection method: clinical testing. Allele origin: unknown. Affected: yes. Study: The Canadian Open Genetics Repository (COGR). Not counted in ClinVar's aggregate classification.
Comment: The BRCA2 p.Leu459* variant was not identified in the literature nor was it identified in the UMD-LSDB database. The variant was identified in dbSNP (ID: rs587781799) as â€šÃ„ÃºWith Pathogenic alleleâ€šÃ„Ã¹, ClinVar (as pathogenic by ENIGMA, CIMBA, and COGR, reviewed by an expert panel), and LOVD 3.0 (2x as pathogenic). The variant was not identified in the following databases: the Exome Aggregation Consortium (August 8th 2016), or the Genome Aggregation Database (Feb 27, 2017). The p.Leu459* variant leads to a premature stop codon at position 459 which is predicted to lead to a truncated or absent protein and loss of function. Loss of function variants of the BRCA2 gene are an established mechanism of disease in hereditary breast and ovarian cancer and is the type of variant expected to cause the disorder. In summary, based on the above information this variant meets our laboratoryâ€šÃ„Ã´s criteria to be classified as pathogenic.

Literature cited by the submitters: PubMed 20104584 (cited by Labcorp Genetics (formerly Invitae), Labcorp); PubMed 29446198 (cited by Labcorp Genetics (formerly Invitae), Labcorp).

NM_000059.4(BRCA2):c.1376T>G (p.Leu459Ter)

Gene: BRCA2 (BRCA2 DNA repair associated; plus strand). Cytogenetic location: 13q13.1.
Variant type: single nucleotide variant.
Coding change: c.1376T>G on transcript NM_000059.4 (MANE Select); coding-DNA position 1376, T replaced by G.
Protein change: p.Leu459Ter; replaces leucine 459 with a stop codon.
Molecular consequence: nonsense.
Genome position (GRCh38, 1-based): chr13:32,332,854, T>G. VCF-style: chr13-32332854-T-G. GRCh37 (hg19) VCF-style: chr13-32906991-T-G.
Other names: 1604T>G; short protein forms L459*.
Identifiers: ClinVar variation 266632 (VCV000266632.14), dbSNP rs587781799, ClinGen allele CA10589090.